The following is an entry in ClinVar:

NM_001105244.2(PTPRM):c.3225G>A (p.Pro1075=)

Gene: PTPRM (protein tyrosine phosphatase receptor type M; plus strand). Cytogenetic location: 18p11.23.
Variant type: single nucleotide variant.
Coding change: c.3225G>A on transcript NM_001105244.2 (MANE Select); coding-DNA position 3225, G replaced by A.
Protein change: p.Pro1075=; no amino-acid change (proline 1075 retained).
Molecular consequence: synonymous variant.
Genome position (GRCh38, 1-based): chr18:8,376,099, G>A. VCF-style: chr18-8376099-G-A. GRCh37 (hg19) VCF-style: chr18-8376097-G-A.
Other names: c.2547G>A, p.Pro849= (NM_001378142.1); c.2586G>A, p.Pro862= (NM_001378143.1); c.2622G>A, p.Pro874= (NM_001378144.1); c.2661G>A, p.Pro887= (NM_001378145.1); c.2637G>A, p.Pro879= (NM_001378146.1); c.2712G>A, p.Pro904= (NM_001378147.1); c.3186G>A, p.Pro1062= (NM_002845.4).
Identifiers: ClinVar variation 3052519 (VCV003052519.2), dbSNP rs151308535, ClinGen allele CA8884683.

ClinVar aggregate classification (germline): Likely benign (0 of 4 stars; one submission).

Conditions:
PTPRM-related disorder. Also called: PTPRM-related condition.

Allele frequency attached by ClinVar (database versions not stated): gnomAD exomes 0.00008; ESP Exome Variant Server 0.00015; ExAC 0.00027; 1000 Genomes Project 30x 0.00031; gnomAD 0.00032; TOPMed 0.00039; 1000 Genomes Project 0.00040.
gnomAD v4.1: 166 of 1,613,978 alleles (0.01%); highest among the groups gnomAD compares: African/African-American, 0.088%; no homozygotes.

Submission:

PreventionGenetics, part of Exact Sciences
Classification: Likely benign for PTPRM-related condition. Last evaluated: 2019-08-21. Review status: no assertion criteria provided. Collection method: clinical testing. Allele origin: germline.
Comment: This variant is classified as likely benign based on ACMG/AMP sequence variant interpretation guidelines (Richards et al. 2015 PMID: 25741868, with internal and published modifications).